The following is an entry in ClinVar:

NM_000071.3(CBS):c.1553-5C>G

Gene: CBS (cystathionine beta-synthase; minus strand). Cytogenetic location: 21q22.3.
Variant type: single nucleotide variant.
Coding change: c.1553-5C>G on transcript NM_000071.3 (MANE Select); 5 bases into the intron before coding-DNA position 1553, C replaced by G.
Molecular consequence: intron variant.
Genome position (GRCh38, 1-based): chr21:43,053,988, G>C on the plus strand (C>G on the coding strand, the complement: CBS is on the minus strand). VCF-style: chr21-43053988-G-C. GRCh37 (hg19) VCF-style: chr21-44474098-G-C.
Other names: c.1553-5C>G (NM_001320298.2, NM_001178009.3, NM_001178008.3); c.1238-5C>G (NM_001321072.1).
Identifiers: ClinVar variation 1775093 (VCV001775093.5), dbSNP rs2517366478, ClinGen allele CA2580098738.

ClinVar aggregate classification (germline): Conflicting classifications of pathogenicity. Review status: criteria provided, conflicting classifications (1 of 4 stars). 2 submissions from 2 submitters: Uncertain significance (1); Likely benign (1). Last evaluated 2023-12-19.

Conditions:
HYPERHOMOCYSTEINEMIA, THROMBOTIC, CBS-RELATED. Identifiers: MedGen C3150344, OMIM 236200.
Familial thoracic aortic aneurysm and aortic dissection (TAAD). Also called: Thoracic aortic aneurysms and dissections. Identifiers: Orphanet 91387, MedGen C4707243, MONDO:0019625.

Submissions (2):

Labcorp Genetics (formerly Invitae), Labcorp
Classification: Likely benign for HYPERHOMOCYSTEINEMIA, THROMBOTIC, CBS-RELATED. Last evaluated: 2023-12-19. Review status: criteria provided, single submitter. Criteria: Invitae Variant Classification Sherloc (09022015). Collection method: clinical testing. Allele origin: germline.

Ambry Genetics
Classification: Uncertain significance for Familial thoracic aortic aneurysm and aortic dissection. Last evaluated: 2022-04-07. Review status: criteria provided, single submitter. Criteria: Ambry Variant Classification Scheme 2023. Collection method: clinical testing. Allele origin: germline.
Comment: The c.1553-5C>G intronic variant results from a C to G substitution 5 nucleotides upstream from coding exon 15 in the CBS gene. This nucleotide position is well conserved in available vertebrate species. In silico splice site analysis predicts that this alteration will not have any significant effect on splicing. Since supporting evidence is limited at this time, the clinical significance of this alteration remains unclear.